The following is an entry in ClinVar:

NM_152564.5(VPS13B):c.412+2T>C

Gene: VPS13B (vacuolar protein sorting 13 homolog B; plus strand). Cytogenetic location: 8q22.2.
Variant type: single nucleotide variant.
Coding change: c.412+2T>C on transcript NM_152564.5 (MANE Select); the canonical splice donor site of the intron after coding-DNA position 412, T replaced by C.
Molecular consequence: splice donor variant.
Genome position (GRCh38, 1-based): chr8:99,096,434, T>C. VCF-style: chr8-99096434-T-C. GRCh37 (hg19) VCF-style: chr8-100108662-T-C.
Other names: c.412+2T>C (NM_017890.5, NM_015243.3, NM_181661.3).
Identifiers: ClinVar variation 2160337 (VCV002160337.4), dbSNP rs746521429, ClinGen allele CA4822366.
Genomic context (GRCh38, chr8:99,096,434, plus strand): 5'-ATCAATCAAACCGCGGAGAATGCAGCAGGCTGCTCCTACAGATCCTGACTTACCACCAGG[T>C]AACTTCTAATGGGATCAATAAAACCAAATTTCAATTTTTGGCCGGGCATGGTGGCTCATG-3'

ClinVar aggregate classification (germline): Likely pathogenic (1 of 4 stars; one submission).

Conditions:
Cohen syndrome (COH1). Also called: PEPPER SYNDROME; Cutis verticis gyrata, retinitis pigmentosa, and sensorineural deafness. Identifiers: Orphanet 193, MedGen C0265223, MONDO:0008999, OMIM 216550.

Allele frequency attached by ClinVar (database versions not stated): gnomAD exomes below 0.00001; ExAC 0.00002.
gnomAD v4.1: 1 of 1,613,868 alleles (0.000062%); highest among the groups gnomAD compares: East Asian, 0.0022%; no homozygotes.

Submission:

Labcorp Genetics (formerly Invitae), Labcorp
Classification: Likely pathogenic for Cohen syndrome. Last evaluated: 2022-05-19. Review status: criteria provided, single submitter. Criteria: Invitae Variant Classification Sherloc (09022015). Collection method: clinical testing. Allele origin: germline.
Comment: Algorithms developed to predict the effect of sequence changes on RNA splicing suggest that this variant may disrupt the consensus splice site. This variant has not been reported in the literature in individuals affected with VPS13B-related conditions. This variant is present in population databases (rs746521429, gnomAD 0.02%). In summary, the currently available evidence indicates that the variant is pathogenic, but additional data are needed to prove that conclusively. Therefore, this variant has been classified as Likely Pathogenic. This sequence change affects a donor splice site in intron 4 of the VPS13B gene. It is expected to disrupt RNA splicing. Variants that disrupt the donor or acceptor splice site typically lead to a loss of protein function (PMID: 16199547), and loss-of-function variants in VPS13B are known to be pathogenic (PMID: 15141358, 16648375, 20461111).

Literature cited by the submitters: PubMed 16199547; PubMed 15141358; PubMed 16648375; PubMed 20461111.